The following is an entry in ClinVar:

ClinVar aggregate classification (germline): Uncertain significance (1 of 4 stars; one submission).

Conditions:
Anauxetic dysplasia. Identifiers: Orphanet 93347, MedGen C1846796, MONDO:0011773.

Allele frequency attached by ClinVar (database versions not stated): gnomAD 0.00001; TOPMed 0.00002.
gnomAD v4.1: 3 of 700,336 alleles (0.00043%); highest among the groups gnomAD compares: Non-Finnish European, 0.00078%; no homozygotes.

Submission:

Labcorp Genetics (formerly Invitae), Labcorp
Classification: Uncertain significance for Anauxetic dysplasia. Last evaluated: 2022-08-15. Review status: criteria provided, single submitter. Criteria: Invitae Variant Classification Sherloc (09022015). Collection method: clinical testing. Allele origin: germline.
Comment: This variant occurs in the RMRP gene, which encodes an RNA molecule that does not result in a protein product. This variant is present in population databases (no rsID available, gnomAD 0.003%). This variant has been observed in individual(s) with cartilage hair hypoplasia (PMID: 19626344). This variant is also known as g.77C>T. Experimental studies and prediction algorithms are not available or were not evaluated, and the functional significance of this variant is currently unknown. In summary, the available evidence is currently insufficient to determine the role of this variant in disease. Therefore, it has been classified as a Variant of Uncertain Significance.

Literature cited by the submitters: PubMed 19626344.

NC_000009.12:g.35657941G>A

Gene: RMRP (RNA component of mitochondrial RNA processing endoribonuclease; minus strand). Cytogenetic location: 9p13.3.
Variant type: single nucleotide variant.
Genome position: GRCh38 VCF-style: chr9-35657941-G-A. GRCh37 (hg19) VCF-style: chr9-35657938-G-A.
Identifiers: ClinVar variation 2202950 (VCV002202950.1), dbSNP rs1042583858, ClinGen allele CA192745662.
Genomic context (GRCh38, chr9:35,657,941, plus strand): 5'-GAGTGGGAAGCGGGGAATGTCTACGTGCGTATGCACGTGGCACTCTCTGCCCGAGGTCCG[G>A]GGACTTTCCCCTAGGCGGAAAGGGGAGGAACAGAGTCCTCAGTGTGTAGCCTAGGATACA-3'